The following is an entry in ClinVar:

ClinVar aggregate classification (germline): Likely benign. Review status: criteria provided, single submitter (1 of 4 stars). 2 submissions from 2 submitters: Likely benign (1). 1 of the submissions does not count toward it. Last evaluated 2024-01-11.

Conditions:
RET-related disorder. Also called: RET-related condition; RET-related disease; RET-related disorders.

Allele frequency attached by ClinVar (database versions not stated): TOPMed below 0.00001.

Submissions (2):

Blueprint Genetics
Classification: Likely benign. Last evaluated: 2024-01-11. Review status: criteria provided, single submitter. Criteria: ACMG Guidelines, 2015. Collection method: clinical testing. Allele origin: germline.

PreventionGenetics, part of Exact Sciences
Classification: Likely benign for RET-related condition. Last evaluated: 2020-12-04. Review status: no assertion criteria provided. Collection method: clinical testing. Allele origin: germline. Not counted in ClinVar's aggregate classification.
Comment: This variant is classified as likely benign based on ACMG/AMP sequence variant interpretation guidelines (Richards et al. 2015 PMID: 25741868, with internal and published modifications).

NM_020975.6(RET):c.73+9398G>A

Genes: MCS+9.7 (RET intron 1 enhancer; plus strand), RET (ret proto-oncogene; plus strand), LOC110121502 (VISTA enhancer hs2326; plus strand). Cytogenetic location: 10q11.21.
Variant type: single nucleotide variant.
Coding change: c.73+9398G>A on transcript NM_020975.6 (MANE Select); 9398 bases into the intron after coding-DNA position 73, G replaced by A.
Molecular consequence: intron variant.
Genome position (GRCh38, 1-based): chr10:43,086,729, G>A. VCF-style: chr10-43086729-G-A. GRCh37 (hg19) VCF-style: chr10-43582177-G-A.
Other names: c.73+9398G>A (NM_020630.7, NM_001406743.1, NM_001406744.1 and 36 more transcripts).
Identifiers: ClinVar variation 3053801 (VCV003053801.3), dbSNP rs749655572, ClinGen allele CA206711505.